The following is an entry in ClinVar:

ClinVar aggregate classification (germline): Likely benign (1 of 4 stars; one submission).

Allele frequency attached by ClinVar (database versions not stated): ESP Exome Variant Server 0.00008; TOPMed 0.00025; gnomAD 0.00036; ExAC 0.00118; 1000 Genomes Project 30x 0.00172; 1000 Genomes Project 0.00220.
gnomAD v4.1: 1,087 of 1,614,122 alleles (0.067%); highest among the groups gnomAD compares: South Asian, 0.62%; 14 homozygotes.

Submission:

CeGaT Center for Human Genetics Tuebingen
Classification: Likely benign. Last evaluated: 2023-07-01. Review status: criteria provided, single submitter. Criteria: CeGaT Center For Human Genetics Tuebingen Variant Classification Criteria Version 2. Collection method: clinical testing. Allele origin: germline. Affected: yes. Observed: 1 variant allele.
Comment: ATP10B: BS2

NM_025153.3(ATP10B):c.3086G>A (p.Arg1029His)

Genes: ATP10B (ATPase phospholipid transporting 10B (putative); minus strand), LOC126807574 (CDK7 strongly-dependent group 2 enhancer GRCh37_chr5:160033047-160034246; plus strand). Cytogenetic location: 5q34.
Variant type: single nucleotide variant.
Coding change: c.3086G>A on transcript NM_025153.3 (MANE Select); coding-DNA position 3086, G replaced by A.
Protein change: p.Arg1029His; replaces arginine 1029 with histidine.
Molecular consequence: missense variant.
Genome position (GRCh38, 1-based): chr5:160,606,839, C>T on the plus strand (G>A on the coding strand, the complement: ATP10B is on the minus strand). VCF-style: chr5-160606839-C-T. GRCh37 (hg19) VCF-style: chr5-160033846-C-T.
Other names: c.3086G>A, p.Arg1029His (NM_001366652.1, NM_001366655.1); c.3050G>A, p.Arg1017His (NM_001366657.1); c.3002G>A, p.Arg1001His (NM_001410822.1); short protein forms R1001H, R1017H, R1029H.
Identifiers: ClinVar variation 2656011 (VCV002656011.24), dbSNP rs200782414, ClinGen allele CA3542318.